The following is an entry in ClinVar:

NM_005359.6(SMAD4):c.1058A>C (p.Tyr353Ser)

Gene: SMAD4 (SMAD family member 4; plus strand). Cytogenetic location: 18q21.2.
Variant type: single nucleotide variant.
Coding change: c.1058A>C on transcript NM_005359.6 (MANE Select); coding-DNA position 1058, A replaced by C.
Protein change: p.Tyr353Ser; replaces tyrosine 353 with serine.
Molecular consequence: missense variant.
Genome position (GRCh38, 1-based): chr18:51,065,525, A>C. VCF-style: chr18-51065525-A-C. GRCh37 (hg19) VCF-style: chr18-48591895-A-C.
Other names: short protein forms Y353S.
Identifiers: ClinVar variation 2774527 (VCV002774527.2), dbSNP rs377767346, ClinGen allele CA259205.

ClinVar aggregate classification (germline): Likely pathogenic (1 of 4 stars; one submission).

Conditions:
Hereditary cancer-predisposing syndrome. Also called: Neoplastic Syndromes, Hereditary; Tumor predisposition; Hereditary Cancer Syndrome; Hereditary neoplastic syndrome. Identifiers: Orphanet 140162, MedGen C0027672, MeSH D009386, MONDO:0015356.

Submission:

Color Diagnostics, LLC DBA Color Health
Classification: Likely pathogenic for Hereditary cancer-predisposing syndrome. Last evaluated: 2021-10-19. Review status: criteria provided, single submitter. Criteria: ACMG Guidelines, 2015. Collection method: clinical testing. Allele origin: germline.
Comment: This missense variant replaces tyrosine with serine at codon 353 of the SMAD4 protein. Computational prediction suggests that this variant may have deleterious impact on protein structure and function (internally defined REVEL score threshold >= 0.7, PMID: 27666373). Functional protein interaction studies have shown that this variant abolishes SMAD4 binding to SMAD3 and SMAD9 (PMID: 25502805, 29355848, 31515488). This variant has been reported in individuals affected with juvenile polyposis syndrome (JPS; PMID: 9582123, 10441006, 19014666) and in an individual with bile duct cancer (PMID: 33807840). This variant has not been identified in the general population by the Genome Aggregation Database (gnomAD). Based on the available evidence, this variant is classified as Likely Pathogenic.

Literature cited by the submitters: PubMed 25502805; PubMed 29355848; PubMed 31515488; PubMed 33807840.